The following is an entry in ClinVar:

NM_000271.5(NPC1):c.3591+126C>G

Gene: NPC1 (NPC intracellular cholesterol transporter 1; minus strand). Cytogenetic location: 18q11.2.
Variant type: single nucleotide variant.
Coding change: c.3591+126C>G on transcript NM_000271.5 (MANE Select); 126 bases into the intron after coding-DNA position 3591, C replaced by G.
Molecular consequence: intron variant.
Genome position (GRCh38, 1-based): chr18:23,534,320, G>C on the plus strand (C>G on the coding strand, the complement: NPC1 is on the minus strand). VCF-style: chr18-23534320-G-C. GRCh37 (hg19) VCF-style: chr18-21114284-G-C.
Identifiers: ClinVar variation 3040937 (VCV003040937.2), dbSNP rs186382973, ClinGen allele CA297076679.
Genomic context (GRCh38, chr18:23,534,320, plus strand): 5'-TACCAACAGGTACAGTTCCACAGAACGTCCGTTCTGTCCACGATGTGGCAGCTAATTCAT[G>C]AATTGCCTGAAAGCTTGCAATCCTTAGAAGCTGCTTTGTAAGTACAGGATCCAGACTCTT-3'

ClinVar aggregate classification (germline): Likely benign (0 of 4 stars; one submission).

Conditions:
NPC1-related disorder. Also called: NPC1-related condition.

Allele frequency attached by ClinVar (database versions not stated): 1000 Genomes Project 30x 0.00172; 1000 Genomes Project 0.00200.
gnomAD v4.1: 283 of 730,080 alleles (0.039%); highest among the groups gnomAD compares: African/African-American, 0.44%; 1 homozygote.

Submission:

PreventionGenetics, part of Exact Sciences
Classification: Likely benign for NPC1-related condition. Last evaluated: 2023-09-08. Review status: no assertion criteria provided. Collection method: clinical testing. Allele origin: germline.
Comment: This variant is classified as likely benign based on ACMG/AMP sequence variant interpretation guidelines (Richards et al. 2015 PMID: 25741868, with internal and published modifications).